The following is an entry in ClinVar:

ClinVar aggregate classification (germline): Uncertain significance (1 of 4 stars; one submission).

Conditions:
Fanconi anemia (FA). Also called: Fanconi's anemia. Identifiers: Orphanet 84, MedGen C0015625, MeSH D005199, MONDO:0019391.

Submission:

Labcorp Genetics (formerly Invitae), Labcorp
Classification: Uncertain significance for Fanconi anemia. Last evaluated: 2018-09-06. Review status: criteria provided, single submitter. Criteria: Invitae Variant Classification Sherloc (09022015). Collection method: clinical testing. Allele origin: germline.
Comment: This sequence change replaces aspartic acid with glycine at codon 195 of the FANCC protein (p.Asp195Gly). The aspartic acid residue is highly conserved and there is a moderate physicochemical difference between aspartic acid and glycine. This variant is not present in population databases (ExAC no frequency). This variant has not been reported in the literature in individuals with FANCC-related disease. ClinVar contains an entry for this variant (Variation ID: 409652). Algorithms developed to predict the effect of missense changes on protein structure and function are either unavailable or do not agree on the potential impact of this missense change (SIFT: "Tolerated"; PolyPhen-2: "Probably Damaging"; Align-GVGD: "Class C0"). Algorithms developed to predict the effect of sequence changes on RNA splicing suggest that this variant may create or strengthen a splice site, but this prediction has not been confirmed by published transcriptional studies. In summary, the available evidence is currently insufficient to determine the role of this variant in disease. Therefore, it has been classified as a Variant of Uncertain Significance.

NM_000136.3(FANCC):c.584A>G (p.Asp195Gly)

Genes: AOPEP (aminopeptidase O (putative); plus strand), FANCC (FA complementation group C; minus strand). Cytogenetic location: 9q22.32.
Variant type: single nucleotide variant.
Coding change: c.584A>G on transcript NM_000136.3 (MANE Select); coding-DNA position 584, A replaced by G.
Protein change: p.Asp195Gly; replaces aspartic acid 195 with glycine.
Molecular consequence: missense variant.
Genome position (GRCh38, 1-based): chr9:95,150,025, T>C on the plus strand (A>G on the coding strand, the complement: FANCC is on the minus strand). VCF-style: chr9-95150025-T-C. GRCh37 (hg19) VCF-style: chr9-97912307-T-C.
Other names: c.584A>G, p.Asp195Gly (NM_001243743.2, NM_001243744.2); short protein forms D195G.
Identifiers: ClinVar variation 409652 (VCV000409652.9), dbSNP rs1800365, ClinGen allele CA16612813.